The following is an entry in ClinVar:

NM_001330691.3(CEP78):c.1205+2T>A

Gene: CEP78 (centrosomal protein 78; plus strand). Cytogenetic location: 9q21.2.
Variant type: single nucleotide variant.
Coding change: c.1205+2T>A on transcript NM_001330691.3 (MANE Select); the canonical splice donor site of the intron after coding-DNA position 1205, T replaced by A.
Molecular consequence: splice donor variant.
Genome position (GRCh38, 1-based): chr9:78,252,045, T>A. VCF-style: chr9-78252045-T-A. GRCh37 (hg19) VCF-style: chr9-80866961-T-A.
Other names: c.1208+2T>A (NM_001349839.2, NM_001349840.2, NM_001098802.3 and 1 more transcripts); c.1205+2T>A (NM_001330693.3, NM_001349838.2, NM_001330694.2).
Identifiers: ClinVar variation 2098548 (VCV002098548.5), dbSNP rs2489451154, ClinGen allele CA373859424.
Genomic context (GRCh38, chr9:78,252,045, plus strand): 5'-CCACCTGGTGTGTCTGGTTTCTTGCCGTGGCGTACTGCAGAACGTGCAAAAAGACACAGG[T>A]AGGGTATTTTTATTTCCTATCTTTTAGGATAAAAATGGGATTCAAAATTCTTTATTTTGG-3'

ClinVar aggregate classification (germline): Pathogenic/Likely pathogenic. Review status: criteria provided, multiple submitters, no conflicts (2 of 4 stars). 2 submissions from 2 submitters: Pathogenic (1); Likely pathogenic (1). Last evaluated 2025-02-13.

Conditions:
Cone-rod dystrophy and hearing loss 1 (CRDHL1). Identifiers: MedGen C5193018, MONDO:0020778, OMIM 617236.

gnomAD v4.1: 1 of 1,578,382 alleles (0.000063%); highest among the groups gnomAD compares: Admixed American, 0.0017%; no homozygotes.

Submissions (2):

Clinical Genetics and Genomics, Karolinska University Hospital
Classification: Pathogenic for Cone-rod dystrophy and hearing loss 1. Last evaluated: 2025-02-13. Review status: criteria provided, single submitter. Criteria: ACMG Guidelines, 2015. Collection method: clinical testing. Allele origin: germline. Inheritance: Autosomal recessive inheritance. Affected: yes.

Labcorp Genetics (formerly Invitae), Labcorp
Classification: Likely pathogenic. Last evaluated: 2022-06-01. Review status: criteria provided, single submitter. Criteria: Invitae Variant Classification Sherloc (09022015). Collection method: clinical testing. Allele origin: germline.
Comment: This sequence change affects a donor splice site in intron 9 of the CEP78 gene. It is expected to disrupt RNA splicing. Variants that disrupt the donor or acceptor splice site typically lead to a loss of protein function (PMID: 16199547), and loss-of-function variants in CEP78 are known to be pathogenic (PMID: 27588451, 27588452, 27627988). This variant is not present in population databases (gnomAD no frequency). Disruption of this splice site has been observed in individual(s) with autosomal recessive cone-rod dystrophy (PMID: 33968938). Algorithms developed to predict the effect of sequence changes on RNA splicing suggest that this variant may disrupt the consensus splice site. In summary, the currently available evidence indicates that the variant is pathogenic, but additional data are needed to prove that conclusively. Therefore, this variant has been classified as Likely Pathogenic.

Literature cited by the submitters: PubMed 16199547 (cited by Labcorp Genetics (formerly Invitae), Labcorp); PubMed 27588451 (cited by Labcorp Genetics (formerly Invitae), Labcorp); PubMed 27588452 (cited by Labcorp Genetics (formerly Invitae), Labcorp); PubMed 27627988 (cited by Labcorp Genetics (formerly Invitae), Labcorp); PubMed 33968938 (cited by Labcorp Genetics (formerly Invitae), Labcorp).